The following is an entry in ClinVar:

NM_024649.5(BBS1):c.1643T>C (p.Leu548Pro)

Genes: BBS1 (Bardet-Biedl syndrome 1; plus strand), ZDHHC24 (zDHHC palmitoyltransferase 24; minus strand). Cytogenetic location: 11q13.2.
Variant type: single nucleotide variant.
Coding change: c.1643T>C on transcript NM_024649.5 (MANE Select); coding-DNA position 1643, T replaced by C.
Protein change: p.Leu548Pro; replaces leucine 548 with proline.
Molecular consequence: missense variant. On other transcripts: intron variant (1).
Genome position (GRCh38, 1-based): chr11:66,531,690, T>C. VCF-style: chr11-66531690-T-C. GRCh37 (hg19) VCF-style: chr11-66299161-T-C.
Other names: c.560-2202A>G (NM_001348571.2); short protein forms L548P.
Identifiers: ClinVar variation 1061474 (VCV001061474.9), dbSNP rs2134840970, ClinGen allele CA381426019.

ClinVar aggregate classification (germline): Uncertain significance (1 of 4 stars; one submission).

Conditions:
Bardet-Biedl syndrome (BBS). Identifiers: Orphanet 110, MedGen C0752166, MONDO:0015229.

Submission:

Labcorp Genetics (formerly Invitae), Labcorp
Classification: Uncertain significance for Bardet-Biedl syndrome. Last evaluated: 2023-10-15. Review status: criteria provided, single submitter. Criteria: Invitae Variant Classification Sherloc (09022015). Collection method: clinical testing. Allele origin: germline.
Comment: This sequence change replaces leucine, which is neutral and non-polar, with proline, which is neutral and non-polar, at codon 548 of the BBS1 protein (p.Leu548Pro). This variant is not present in population databases (gnomAD no frequency). This missense change has been observed in individual(s) with Bardet-Biedl syndrome (Invitae). ClinVar contains an entry for this variant (Variation ID: 1061474). Advanced modeling of protein sequence and biophysical properties (such as structural, functional, and spatial information, amino acid conservation, physicochemical variation, residue mobility, and thermodynamic stability) performed at Invitae indicates that this missense variant is not expected to disrupt BBS1 protein function. In summary, the available evidence is currently insufficient to determine the role of this variant in disease. Therefore, it has been classified as a Variant of Uncertain Significance.